The following is an entry in ClinVar:

NM_001174147.2(LMX1B):c.*1582A>G

Gene: LMX1B (LIM homeobox transcription factor 1 beta; plus strand). Cytogenetic location: 9q33.3.
Variant type: single nucleotide variant.
Coding change: c.*1582A>G on transcript NM_001174147.2 (MANE Select); 1582 bases downstream of the stop codon, A replaced by G.
Molecular consequence: 3 prime UTR variant.
Genome position (GRCh38, 1-based): chr9:126,698,033, A>G. VCF-style: chr9-126698033-A-G. GRCh37 (hg19) VCF-style: chr9-129460312-A-G.
Other names: c.*1582A>G (NM_001174146.2, NM_002316.4).
Identifiers: ClinVar variation 364935 (VCV000364935.6), dbSNP rs10987415, ClinGen allele CA10628933.

ClinVar aggregate classification (germline): Benign. Review status: criteria provided, multiple submitters, no conflicts (2 of 4 stars). 2 submissions from 2 submitters: Benign (2). Last evaluated 2018-01-13.

Conditions:
Nail-patella syndrome (NPS). Also called: FONG DISEASE; ONYCHOOSTEODYSPLASIA; TURNER-KIESER SYNDROME. Identifiers: Orphanet 2614, MedGen C0027341, MONDO:0008061, OMIM 161200.

Allele frequency attached by ClinVar (database versions not stated): gnomAD 0.39164 and 0.39583; TOPMed 0.39437; 1000 Genomes Project 30x 0.40475; 1000 Genomes Project 0.41034; gnomAD exomes 0.41053.
gnomAD v4.1: 60,218 of 151,988 alleles (40%); highest among the groups gnomAD compares: East Asian, 54%; 12,281 homozygotes.

Submissions (2):

Illumina Laboratory Services, Illumina
Classification: Benign for Nail-patella syndrome. Last evaluated: 2018-01-13. Review status: criteria provided, single submitter. Criteria: ICSL Variant Classification Criteria 13 December 2019. Collection method: clinical testing. Allele origin: germline.
Comment: This variant was observed in the ICSL laboratory as part of a predisposition screen in an ostensibly healthy population. It had not been previously curated by ICSL or reported in the Human Gene Mutation Database (HGMD: prior to June 1st, 2018), and was therefore a candidate for classification through an automated scoring system. Utilizing variant allele frequency, disease prevalence and penetrance estimates, and inheritance mode, an automated score was calculated to assess if this variant is too frequent to cause the disease. Based on the score and internal cut-off values, a variant classified as benign is not then subjected to further curation. The score for this variant resulted in a classification of benign for this disease.

Breakthrough Genomics
Classification: Benign. Review status: criteria provided, single submitter. Criteria: ACMG Guidelines, 2015. Collection method: not provided. Allele origin: germline. Inheritance: Autosomal dominant inheritance. Affected: yes.